The following is an entry in ClinVar:

NM_015065.3(EXPH5):c.3453G>A (p.Glu1151=)

Gene: EXPH5 (exophilin 5; minus strand). Cytogenetic location: 11q22.3.
Variant type: single nucleotide variant.
Coding change: c.3453G>A on transcript NM_015065.3 (MANE Select); coding-DNA position 3453, G replaced by A.
Protein change: p.Glu1151=; no amino-acid change (glutamic acid 1151 retained).
Molecular consequence: synonymous variant.
Genome position (GRCh38, 1-based): chr11:108,512,054, C>T on the plus strand (G>A on the coding strand, the complement: EXPH5 is on the minus strand). VCF-style: chr11-108512054-C-T. GRCh37 (hg19) VCF-style: chr11-108382781-C-T.
Other names: c.3225G>A, p.Glu1075= (NM_001144763.2); c.2985G>A, p.Glu995= (NM_001144764.2); c.2889G>A, p.Glu963= (NM_001144765.2); c.3432G>A, p.Glu1144= (NM_001308019.2).
Identifiers: ClinVar variation 3034220 (VCV003034220.3), dbSNP rs115181682, ClinGen allele CA6267699.

ClinVar aggregate classification (germline): Likely benign. Review status: criteria provided, single submitter (1 of 4 stars). 2 submissions from 2 submitters: Likely benign (1). 1 of the submissions does not count toward it. Last evaluated 2024-06-28.

Conditions:
EXPH5-related disorder. Also called: EXPH5-related condition.

Allele frequency attached by ClinVar (database versions not stated): gnomAD 0.00016; TOPMed 0.00021; ExAC 0.00050; 1000 Genomes Project 0.00100; 1000 Genomes Project 30x 0.00109.
gnomAD v4.1: 212 of 1,605,770 alleles (0.013%); highest among the groups gnomAD compares: East Asian, 0.45%; 2 homozygotes.

Submissions (2):

Blueprint Genetics
Classification: Likely benign. Last evaluated: 2024-06-28. Review status: criteria provided, single submitter. Criteria: ACMG Guidelines, 2015. Collection method: clinical testing. Allele origin: germline.

PreventionGenetics, part of Exact Sciences
Classification: Benign for EXPH5-related condition. Last evaluated: 2019-06-14. Review status: no assertion criteria provided. Collection method: clinical testing. Allele origin: germline. Not counted in ClinVar's aggregate classification.
Comment: This variant is classified as benign based on ACMG/AMP sequence variant interpretation guidelines (Richards et al. 2015 PMID: 25741868, with internal and published modifications).